The following is an entry in ClinVar:

NM_015443.4(KANSL1):c.2345del (p.Asn782fs)

Gene: KANSL1 (KAT8 regulatory NSL complex subunit 1). Cytogenetic location: 17q21.31.
Variant type: Deletion.
Coding change: c.2345del on transcript NM_015443.4 (MANE Select); coding-DNA position 2345, one base deleted.
Protein change: p.Asn782fs; shifts the reading frame from asparagine 782.
Molecular consequence: frameshift variant. On other transcripts: intron variant (8).
Genome position: GRCh38 VCF-style: chr17-46039073-GT-G. GRCh37 (hg19) VCF-style: chr17-44116439-GT-G.
Other names: c.1079del, p.Asn360fs (NM_001405882.1, NM_001405883.1); c.938-388del (NM_001405885.1, NM_001405884.1); c.2204-388del (NM_001405879.1, NM_001405875.1, NM_001405878.1 and 3 more transcripts); c.2345del, p.Asn782fs (NM_001405854.1, NM_001405855.1, NM_001405856.1 and 8 more transcripts); c.2243del, p.Asn748fs (NM_001405859.1, NM_001405860.1, NM_001405861.1 and 1 more transcripts); short protein forms N360fs, N748fs, N782fs.
Identifiers: ClinVar variation 2691866 (VCV002691866.2), dbSNP rs2510481195, ClinGen allele CA2697560158.

ClinVar aggregate classification (germline): Likely pathogenic (1 of 4 stars; one submission).

Conditions:
Koolen-de Vries syndrome (KDVS). Identifiers: Orphanet 96169, MedGen C1864871, MONDO:0012496, OMIM 610443.

Submission:

Institute of Human Genetics, University of Leipzig Medical Center
Classification: Likely pathogenic for Koolen-de Vries syndrome. Last evaluated: 2023-09-28. Review status: criteria provided, single submitter. Criteria: ACMG Guidelines, 2015. Collection method: clinical testing. Allele origin: unknown. Inheritance: Autosomal dominant inheritance. Affected: yes.
Comment: Criteria applied: PVS1,PM2_SUP